The following is an entry in ClinVar:

NM_001042492.3(NF1):c.48C>T (p.Arg16=)

Genes: MIR4733HG (MIR4733 host gene; minus strand), NF1 (neurofibromin 1; plus strand), LOC111811965 (NF1 (neurofibromin 1) promoter region; plus strand). Cytogenetic location: 17q11.2.
Variant type: single nucleotide variant.
Coding change: c.48C>T on transcript NM_001042492.3 (MANE Select); coding-DNA position 48, C replaced by T.
Protein change: p.Arg16=; no amino-acid change (arginine 16 retained).
Molecular consequence: synonymous variant. On other transcripts: non-coding transcript variant (1).
Genome position (GRCh38, 1-based): chr17:31,095,357, C>T. VCF-style: chr17-31095357-C-T. GRCh37 (hg19) VCF-style: chr17-29422375-C-T.
Other names: c.48C>T, p.Arg16= (NM_000267.4, NM_001128147.3).
Identifiers: ClinVar variation 457731 (VCV000457731.16), dbSNP rs1315327163, ClinGen allele CA499197522.

ClinVar aggregate classification (germline): Conflicting classifications of pathogenicity. Review status: criteria provided, conflicting classifications (1 of 4 stars). 5 submissions from 5 submitters: Uncertain significance (1); Benign (1); Likely benign (2). 1 of the submissions does not count toward it. Last evaluated 2026-05-14.

Conditions:
NF1-related disorder. Also called: NF1-related condition. Identifiers: MedGen CN379171.
Hereditary cancer-predisposing syndrome. Also called: Hereditary neoplastic syndrome; Neoplastic Syndromes, Hereditary; Hereditary Cancer Syndrome; Tumor predisposition. Identifiers: Orphanet 140162, MedGen C0027672, MeSH D009386, MONDO:0015356.
Cardiovascular phenotype. Identifiers: MedGen CN230736.
Neurofibromatosis, type 1 (NF1). Also called: Peripheral type neurofibromatosis; Neurofibromatosis, type I; VON RECKLINGHAUSEN DISEASE; NEUROFIBROMATOSIS, TYPE I, SOMATIC. Identifiers: Orphanet 636, MedGen C0027831, MONDO:0018975, OMIM 162200. Disease mechanism: loss of function.

Allele frequency attached by ClinVar (database versions not stated): gnomAD 0.00001 and 0.00002; gnomAD exomes below 0.00001 and 0.00001; TOPMed below 0.00001.
gnomAD v4.1: 3 of 1,539,844 alleles (0.00019%); highest among the groups gnomAD compares: African/African-American, 0.0041%; no homozygotes.

Submissions (5):

Myriad Genetics, Inc.
Classification: Benign for Neurofibromatosis, type 1. Last evaluated: 2026-05-14. Review status: criteria provided, single submitter. Criteria: Myriad Autosomal Dominant, Autosomal Recessive and X-Linked Classification Criteria (2023). Collection method: clinical testing. Allele origin: unknown.
Comment: This variant is considered benign. This variant is a silent/synonymous amino acid change and it is not expected to impact splicing.

Labcorp Genetics (formerly Invitae), Labcorp
Classification: Likely benign for Neurofibromatosis, type 1. Last evaluated: 2025-10-26. Review status: criteria provided, single submitter. Criteria: Invitae Variant Classification Sherloc (09022015). Collection method: clinical testing. Allele origin: germline.

Quest Diagnostics Nichols Institute San Juan Capistrano
Classification: Uncertain significance. Last evaluated: 2025-10-21. Review status: criteria provided, single submitter. Criteria: Quest Diagnostics criteria. Collection method: clinical testing. Allele origin: unknown.

Ambry Genetics
Classification: Likely benign for Cardiovascular phenotype; Hereditary cancer-predisposing syndrome. Last evaluated: 2020-01-27. Review status: criteria provided, single submitter. Criteria: Ambry Variant Classification Scheme 2023. Collection method: clinical testing. Allele origin: germline.

PreventionGenetics, part of Exact Sciences
Classification: Likely benign for NF1-related condition. Last evaluated: 2021-05-25. Review status: no assertion criteria provided. Collection method: clinical testing. Allele origin: germline. Not counted in ClinVar's aggregate classification.
Comment: This variant is classified as likely benign based on ACMG/AMP sequence variant interpretation guidelines (Richards et al. 2015 PMID: 25741868, with internal and published modifications).